The following is an entry in ClinVar:

NM_021830.5(TWNK):c.604C>A (p.Arg202Ser)

Gene: TWNK (twinkle mtDNA helicase; plus strand). Cytogenetic location: 10q24.31.
Variant type: single nucleotide variant.
Coding change: c.604C>A on transcript NM_021830.5 (MANE Select); coding-DNA position 604, C replaced by A.
Protein change: p.Arg202Ser; replaces arginine 202 with serine.
Molecular consequence: missense variant. On other transcripts: non-coding transcript variant (4), intron variant (3).
Genome position (GRCh38, 1-based): chr10:100,988,814, C>A. VCF-style: chr10-100988814-C-A. GRCh37 (hg19) VCF-style: chr10-102748571-C-A.
Other names: c.604C>A, p.Arg202Ser (NM_001163812.2); c.-119-830C>A (NM_001163814.2, NM_001163813.2); c.-57-892C>A (NM_001368275.1); short protein forms R202S.
Identifiers: ClinVar variation 2135763 (VCV002135763.12), dbSNP rs761860054, ClinGen allele CA5653092.
Genomic context (GRCh38, chr10:100,988,814, plus strand): 5'-CTTACCAAGGTTACAGATGACACACTCAAGCGTTTCAGTGTGCGATATCTGCGACCTGCT[C>A]GCAGTCTTGTCTTCCCTTGGTTCTCCCCTGGGGGCTCAGGATTACGAGGCCTGAAGCTCC-3'
Protein context (NP_068602.2, residues 192-212): RFSVRYLRPA[Arg202Ser]SLVFPWFSPG

ClinVar aggregate classification (germline): Uncertain significance. Review status: criteria provided, multiple submitters, no conflicts (2 of 4 stars). 2 submissions from 2 submitters: Uncertain significance (2). Last evaluated 2025-07-08.

Submissions (2):

Labcorp Genetics (formerly Invitae), Labcorp
Classification: Uncertain significance. Last evaluated: 2025-07-08. Review status: criteria provided, single submitter. Criteria: Invitae Variant Classification Sherloc (09022015). Collection method: clinical testing. Allele origin: germline.
Comment: This sequence change replaces arginine, which is basic and polar, with serine, which is neutral and polar, at codon 202 of the TWNK protein (p.Arg202Ser). This variant is not present in population databases (gnomAD no frequency). This variant has not been reported in the literature in individuals affected with TWNK-related conditions. ClinVar contains an entry for this variant (Variation ID: 2135763). Invitae Evidence Modeling of protein sequence and biophysical properties (such as structural, functional, and spatial information, amino acid conservation, physicochemical variation, residue mobility, and thermodynamic stability) indicates that this missense variant is not expected to disrupt TWNK protein function with a negative predictive value of 95%. In summary, the available evidence is currently insufficient to determine the role of this variant in disease. Therefore, it has been classified as a Variant of Uncertain Significance.

CeGaT Center for Human Genetics Tuebingen
Classification: Uncertain significance. Last evaluated: 2025-07-01. Review status: criteria provided, single submitter. Criteria: CeGaT Center For Human Genetics Tuebingen Variant Classification Criteria Version 2. Collection method: clinical testing. Allele origin: germline. Affected: yes. Observed: 1 variant allele.
Comment: TWNK: PM2, PP3